The following is an entry in ClinVar:

NM_000455.5(STK11):c.749C>T (p.Thr250Met)

Gene: STK11 (serine/threonine kinase 11; plus strand). Cytogenetic location: 19p13.3.
Variant type: single nucleotide variant.
Coding change: c.749C>T on transcript NM_000455.5 (MANE Select); coding-DNA position 749, C replaced by T.
Protein change: p.Thr250Met; replaces threonine 250 with methionine.
Molecular consequence: missense variant.
Genome position (GRCh38, 1-based): chr19:1,221,227, C>T. VCF-style: chr19-1221227-C-T. GRCh37 (hg19) VCF-style: chr19-1221226-C-T.
Other names: short protein forms T250M.
Identifiers: ClinVar variation 234821 (VCV000234821.21), dbSNP rs876661238, ClinGen allele CA10577596.

ClinVar aggregate classification (germline): Uncertain significance. Review status: criteria provided, multiple submitters, no conflicts (2 of 4 stars). 7 submissions from 7 submitters: Uncertain significance (7). Last evaluated 2025-09-28.

Conditions:
Melanoma, cutaneous malignant, susceptibility to, 1 (CMM1). Also called: B-K MOLE SYNDROME; MELANOMA, MALIGNANT; DYSPLASTIC NEVUS SYNDROME, HEREDITARY; FAMILIAL ATYPICAL MOLE-MALIGNANT MELANOMA SYNDROME. Identifiers: Orphanet 618, MedGen C1835047, MONDO:0007963, OMIM 155600.
Familial pancreatic carcinoma. Identifiers: Orphanet 1333, MedGen C2931038, MONDO:0015278, OMIM 260350.
Germ cell tumor of testis (TGCT). Also called: Testicular germ cell tumor; GERM CELL TUMOR, SOMATIC. Identifiers: Orphanet 363504, MedGen C1336708, MONDO:0010108, OMIM 273300.
Peutz-Jeghers syndrome (PJS). Also called: POLYPOSIS, HAMARTOMATOUS INTESTINAL; POLYPS-AND-SPOTS SYNDROME; Peutz-Jeghers polyposis; Periorificial lentiginosis syndrome. Identifiers: Orphanet 2869, MedGen C0031269, MeSH D010580, MONDO:0008280, OMIM 175200.
Multiple endocrine neoplasia, type 1 (MEN1). Also called: MEN I; WERMER SYNDROME; MEA I; Endocrine adenomatosis multiple; MEN 1. Identifiers: Orphanet 652, MedGen C0025267, MeSH D018761, MONDO:0007540, OMIM 131100.
Hereditary cancer-predisposing syndrome. Also called: Tumor predisposition; Hereditary Cancer Syndrome; Hereditary neoplastic syndrome; Neoplastic Syndromes, Hereditary. Identifiers: Orphanet 140162, MedGen C0027672, MeSH D009386, MONDO:0015356.

Allele frequency attached by ClinVar (database versions not stated): gnomAD exomes below 0.00001; TOPMed below 0.00001.

Submissions (7):

Labcorp Genetics (formerly Invitae), Labcorp
Classification: Uncertain significance for Peutz-Jeghers syndrome. Last evaluated: 2025-09-28. Review status: criteria provided, single submitter. Criteria: Invitae Variant Classification Sherloc (09022015). Collection method: clinical testing. Allele origin: germline.
Comment: This sequence change replaces threonine, which is neutral and polar, with methionine, which is neutral and non-polar, at codon 250 of the STK11 protein (p.Thr250Met). This variant is not present in population databases (gnomAD no frequency). This variant has not been reported in the literature in individuals affected with STK11-related conditions. ClinVar contains an entry for this variant (Variation ID: 234821). Invitae Evidence Modeling of protein sequence and biophysical properties (such as structural, functional, and spatial information, amino acid conservation, physicochemical variation, residue mobility, and thermodynamic stability) has been performed for this missense variant. However, the output from this modeling did not meet the statistical confidence thresholds required to predict the impact of this variant on STK11 protein function. In summary, the available evidence is currently insufficient to determine the role of this variant in disease. Therefore, it has been classified as a Variant of Uncertain Significance.

Ambry Genetics
Classification: Uncertain significance for Hereditary cancer-predisposing syndrome. Last evaluated: 2025-04-10. Review status: criteria provided, single submitter. Criteria: Ambry Variant Classification Scheme 2023. Collection method: clinical testing. Allele origin: germline.
Comment: The p.T250M variant (also known as c.749C>T), located in coding exon 6 of the STK11 gene, results from a C to T substitution at nucleotide position 749. The threonine at codon 250 is replaced by methionine, an amino acid with similar properties. This alteration was observed with an allele frequency of 0 in 7,051 unselected female breast cancer patients and was observed with an allele frequency of 0.00009 in 11,241 female controls of Japanese ancestry. In addition, it was not observed in unselected male breast cancer patients and was observed with an allele frequency of 0 in 12,490 male controls of Japanese ancestry (Momozawa Y et al. Nat Commun, 2018 Oct;9:4083). This amino acid position is highly conserved in available vertebrate species. In addition, this alteration is predicted to be deleterious by in silico analysis. Since supporting evidence is limited at this time, the clinical significance of this alteration remains unclear.

Color Diagnostics, LLC DBA Color Health
Classification: Uncertain significance for Hereditary cancer-predisposing syndrome. Last evaluated: 2024-03-11. Review status: criteria provided, single submitter. Criteria: ACMG Guidelines, 2015. Collection method: clinical testing. Allele origin: germline.
Comment: This missense variant replaces threonine with methionine at codon 250 of the STK11 protein. Computational prediction suggests that this variant may have deleterious impact on protein structure and function. To our knowledge, functional studies have not been reported for this variant. This variant has not been reported in individuals affected with hereditary cancer in the literature. This variant has not been identified in the general population by the Genome Aggregation Database (gnomAD). The available evidence is insufficient to determine the role of this variant in disease conclusively. Therefore, this variant is classified as a Variant of Uncertain Significance.

Laboratory of Molecular and Cytogenetics, Department of Anatomy, All India Institute of Medical Sciences (AIIMS)
Classification: Uncertain significance for Multiple endocrine neoplasia, type 1. Last evaluated: 2023-06-10. Review status: criteria provided, single submitter. Criteria: ACMG Guidelines, 2015. Collection method: clinical testing. Allele origin: germline. Affected: yes. Observed: 1 variant allele.

Genome-Nilou Lab
Classification: Uncertain significance for Peutz-Jeghers syndrome. Last evaluated: 2021-07-15. Review status: criteria provided, single submitter. Criteria: ACMG Guidelines, 2015. Collection method: clinical testing. Allele origin: germline. Affected: no.

Department of Pathology and Laboratory Medicine, Sinai Health System
Classification: Uncertain significance for Melanoma, cutaneous malignant, susceptibility to, 1; Peutz-Jeghers syndrome; Familial pancreatic carcinoma; Germ cell tumor of testis. Last evaluated: 2021-07-05. Review status: criteria provided, single submitter. Criteria: ACMG Guidelines, 2015. Collection method: clinical testing. Allele origin: germline. Affected: yes.

GeneDx
Classification: Uncertain significance. Last evaluated: 2016-02-05. Review status: criteria provided, single submitter. Criteria: GeneDx Variant Classification (06012015). Collection method: clinical testing. Allele origin: germline. Affected: yes.
Comment: This variant is denoted STK11 c.749C>T at the cDNA level, p.Thr250Met (T250M) at the protein level, and results in the change of a Threonine to a Methionine (ACG>ATG). This variant has not, to our knowledge, been published in the literature as pathogenic or benign. STK11 Thr250Met was not observed in approximately 6,100 individuals of European and African American ancestry in the NHLBI Exome Sequencing Project, suggesting it is not a common benign variant in these populations. Since Threonine and Methionine differ in polarity, charge, size or other properties, this is considered a non-conservative amino acid substitution. STK11 Thr250Met occurs at a position that is conserved across species and is located within the protein kinase domain (UniProt). In silico analyses predict that this variant is probably damaging to protein structure and function. Based on currently available evidence, it is unclear whether STK11 Thr250Met is a pathogenic or benign variant. We consider it to be a variant of uncertain significance.

Literature cited by the submitters: PubMed 30287823 (cited by Ambry Genetics and Department of Pathology and Laboratory Medicine, Sinai Health System); PubMed 33471991 (cited by Department of Pathology and Laboratory Medicine, Sinai Health System).